The following is an entry in ClinVar:

NM_000051.4(ATM):c.8478T>A (p.Asn2826Lys)

Genes: ATM (ATM serine/threonine kinase; plus strand), C11orf65 (chromosome 11 open reading frame 65; minus strand). Cytogenetic location: 11q22.3.
Variant type: single nucleotide variant.
Coding change: c.8478T>A on transcript NM_000051.4 (MANE Select); coding-DNA position 8478, T replaced by A.
Protein change: p.Asn2826Lys; replaces asparagine 2826 with lysine.
Molecular consequence: missense variant. On other transcripts: intron variant (2).
Genome position (GRCh38, 1-based): chr11:108,345,802, T>A. VCF-style: chr11-108345802-T-A. GRCh37 (hg19) VCF-style: chr11-108216529-T-A.
Other names: c.8478T>A, p.Asn2826Lys (NM_001351834.2); c.641-36731A>T (NM_001330368.2); c.695-10510A>T (NM_001351110.2); short protein forms N2826K.
Identifiers: ClinVar variation 3223294 (VCV003223294.1), dbSNP rs1315026465, ClinGen allele CA382518034.

ClinVar aggregate classification (germline): Uncertain significance (1 of 4 stars; one submission).

Conditions:
Hereditary cancer-predisposing syndrome. Also called: Tumor predisposition; Hereditary Cancer Syndrome; Hereditary neoplastic syndrome; Neoplastic Syndromes, Hereditary. Identifiers: Orphanet 140162, MedGen C0027672, MeSH D009386, MONDO:0015356.

Submission:

Ambry Genetics
Classification: Uncertain significance for Hereditary cancer-predisposing syndrome. Last evaluated: 2023-11-04. Review status: criteria provided, single submitter. Criteria: Ambry Variant Classification Scheme 2023. Collection method: clinical testing. Allele origin: germline.
Comment: The p.N2826K variant (also known as c.8478T>A), located in coding exon 57 of the ATM gene, results from a T to A substitution at nucleotide position 8478. The asparagine at codon 2826 is replaced by lysine, an amino acid with similar properties. This amino acid position is conserved. In addition, this alteration is predicted to be tolerated by in silico analysis. Since supporting evidence is limited at this time, the clinical significance of this alteration remains unclear.